The following is an entry in ClinVar:

NM_001326411.2(PISD):c.131G>T (p.Arg44Ile)

Gene: PISD (phosphatidylserine decarboxylase; minus strand). Cytogenetic location: 22q12.2.
Variant type: single nucleotide variant.
Coding change: c.131G>T on transcript NM_001326411.2 (MANE Select); coding-DNA position 131, G replaced by T.
Protein change: p.Arg44Ile; replaces arginine 44 with isoleucine.
Molecular consequence: missense variant. On other transcripts: 5 prime UTR variant (4), intron variant (4).
Genome position (GRCh38, 1-based): chr22:31,650,713, C>A on the plus strand (G>T on the coding strand, the complement: PISD is on the minus strand). VCF-style: chr22-31650713-C-A. GRCh37 (hg19) VCF-style: chr22-32046699-C-A.
Other names: c.131G>T, p.Arg44Ile (NM_001326412.1, NM_001326421.1); c.-99G>T (NM_001326414.2); c.-501G>T (NM_001326416.2); c.-392G>T (NM_001326417.2, NM_001326419.2); c.-35-2437G>T (NM_001326420.2, NM_001326418.2); c.-84-2437G>T (NM_001326413.2); c.-377-2437G>T (NM_001326415.2); short protein forms R44I.
Identifiers: ClinVar variation 782636 (VCV000782636.17), dbSNP rs187126874, ClinGen allele CA10195012.
Genomic context (GRCh38, chr22:31,650,713, plus strand): 5'-AACTGAGGCAGAGAGAGGGTCACCACCATCTCTAATTGCTCCTTACCTGTGCGAAAGGCT[C>A]TAAAAGGCAGCTTCCGTAAGGGCTGTAGGGATTGGCTCAGGGCAGTGATCTCACAGGGAT-3'
Protein context (NP_001313340.1, residues 34-54): SLQPLRKLPF[Arg44Ile]AFRTDARKIH

ClinVar aggregate classification (germline): Likely benign. Review status: criteria provided, multiple submitters, no conflicts (2 of 4 stars). 5 submissions from 5 submitters: Likely benign (4). 1 of the submissions does not count toward it. Last evaluated 2026-01-15.

Conditions:
PISD-related disorder. Also called: PISD-related condition.

Allele frequency attached by ClinVar (database versions not stated): 1000 Genomes Project 0.00040; 1000 Genomes Project 30x 0.00047; gnomAD exomes 0.00136 and 0.00240; ExAC 0.00168; gnomAD 0.00170 and 0.00198; TOPMed 0.00199.
gnomAD v4.1: 3,607 of 1,552,118 alleles (0.23%); highest among the groups gnomAD compares: Non-Finnish European, 0.29%; 3 homozygotes.

Submissions (5):

Labcorp Genetics (formerly Invitae), Labcorp
Classification: Likely benign. Last evaluated: 2026-01-15. Review status: criteria provided, single submitter. Criteria: Invitae Variant Classification Sherloc (09022015). Collection method: clinical testing. Allele origin: germline.

CeGaT Center for Human Genetics Tuebingen
Classification: Likely benign. Last evaluated: 2026-01-01. Review status: criteria provided, single submitter. Criteria: CeGaT Center For Human Genetics Tuebingen Variant Classification Criteria Version 2. Collection method: clinical testing. Allele origin: germline. Affected: yes. Observed: 1 variant allele.
Comment: PISD: BP4, BS2

Blueprint Genetics
Classification: Likely benign. Last evaluated: 2024-11-28. Review status: criteria provided, single submitter. Criteria: ACMG Guidelines, 2015. Collection method: clinical testing. Allele origin: germline.

Breakthrough Genomics
Classification: Likely benign. Review status: criteria provided, single submitter. Criteria: ACMG Guidelines, 2015. Collection method: not provided. Allele origin: germline. Inheritance: Autosomal recessive inheritance. Affected: yes.

PreventionGenetics, part of Exact Sciences
Classification: Likely benign for PISD-related condition. Last evaluated: 2024-07-03. Review status: no assertion criteria provided. Collection method: clinical testing. Allele origin: germline. Not counted in ClinVar's aggregate classification.
Comment: This variant is classified as likely benign based on ACMG/AMP sequence variant interpretation guidelines (Richards et al. 2015 PMID: 25741868, with internal and published modifications).